The following is an entry in ClinVar:

NM_000123.4(ERCC5):c.945C>T (p.His315=)

Genes: BIVM-ERCC5 (BIVM-ERCC5 readthrough; plus strand), ERCC5 (ERCC excision repair 5, endonuclease; plus strand). Cytogenetic location: 13q33.1.
Variant type: single nucleotide variant.
Coding change: c.945C>T on transcript NM_000123.4 (MANE Select); coding-DNA position 945, C replaced by T.
Protein change: p.His315=; no amino-acid change (histidine 315 retained).
Molecular consequence: synonymous variant.
Genome position (GRCh38, 1-based): chr13:102,862,094, C>T. VCF-style: chr13-102862094-C-T. GRCh37 (hg19) VCF-style: chr13-103514444-C-T.
Other names: c.2307C>T, p.His769= (NM_001204425.2).
Identifiers: ClinVar variation 255162 (VCV000255162.56), dbSNP rs34061299, ClinGen allele CA7041317.

ClinVar aggregate classification (germline): Benign/Likely benign. Review status: criteria provided, multiple submitters, no conflicts (2 of 4 stars). 11 submissions from 11 submitters: Benign (1); Likely benign (9). 1 of the submissions does not count toward it. Last evaluated 2026-09-01.

Conditions:
Hereditary cancer-predisposing syndrome. Also called: Hereditary neoplastic syndrome; Hereditary Cancer Syndrome; Neoplastic Syndromes, Hereditary; Tumor predisposition. Identifiers: Orphanet 140162, MedGen C0027672, MeSH D009386, MONDO:0015356.
Xeroderma pigmentosum, group G (XPG). Also called: XERODERMA PIGMENTOSUM VII; XP, GROUP G; Xeroderma pigmentosum type 7; ERCC5-Related Xeroderma Pigmentosum. Identifiers: MedGen C0268141, MONDO:0010216, OMIM 278780.

Allele frequency attached by ClinVar (database versions not stated): 1000 Genomes Project 30x 0.00125; 1000 Genomes Project 0.00140; ExAC 0.00278; gnomAD exomes 0.00284 and 0.00653; TOPMed 0.00364; gnomAD 0.00369 and 0.00370; ESP Exome Variant Server 0.00523.
gnomAD v4.1: 10,077 of 1,614,170 alleles (0.62%); highest among the groups gnomAD compares: Non-Finnish European, 0.8%; 53 homozygotes.

Submissions (11):

CeGaT Center for Human Genetics Tuebingen
Classification: Likely benign. Last evaluated: 2026-09-01. Review status: criteria provided, single submitter. Criteria: CeGaT Center For Human Genetics Tuebingen Variant Classification Criteria Version 2. Collection method: clinical testing. Allele origin: germline. Affected: yes. Observed: 50 variant alleles.
Comment: ERCC5: BP4, BP7, BS2

Labcorp Genetics (formerly Invitae), Labcorp
Classification: Benign. Last evaluated: 2026-01-28. Review status: criteria provided, single submitter. Criteria: Invitae Variant Classification Sherloc (09022015). Collection method: clinical testing. Allele origin: germline.

Blueprint Genetics
Classification: Likely benign. Last evaluated: 2024-11-26. Review status: criteria provided, single submitter. Criteria: ACMG Guidelines, 2015. Collection method: clinical testing. Allele origin: germline.

Institute for Clinical Genetics, University Hospital TU Dresden, University Hospital TU Dresden
Classification: Likely benign. Last evaluated: 2021-11-03. Review status: criteria provided, single submitter. Criteria: ACMG Guidelines, 2015. Collection method: clinical testing. Allele origin: germline.

Sema4
Classification: Likely benign for Hereditary cancer-predisposing syndrome. Last evaluated: 2021-07-14. Review status: criteria provided, single submitter. Criteria: Sema4 Curation Guidelines. Collection method: curation. Allele origin: germline.

GeneDx
Classification: Likely benign. Last evaluated: 2020-10-05. Review status: criteria provided, single submitter. Criteria: GeneDx Variant Classification Process June 2021. Collection method: clinical testing. Allele origin: germline. Affected: yes.

Illumina Laboratory Services, Illumina
Classification: Likely benign for Xeroderma pigmentosum, group G. Last evaluated: 2018-01-13. Review status: criteria provided, single submitter. Criteria: ICSL Variant Classification Criteria 13 December 2019. Collection method: clinical testing. Allele origin: germline.
Comment: This variant was observed in the ICSL laboratory as part of a predisposition screen in an ostensibly healthy population. It had not been previously curated by ICSL or reported in the Human Gene Mutation Database (HGMD: prior to June 1st, 2018), and was therefore a candidate for classification through an automated scoring system. Utilizing variant allele frequency, disease prevalence and penetrance estimates, and inheritance mode, an automated score was calculated to assess if this variant is too frequent to cause the disease. Based on the score and internal cut-off values, a variant classified as likely benign is not then subjected to further curation. The score for this variant resulted in a classification of likely benign for this disease.

Clinical Genetics DNA and cytogenetics Diagnostics Lab, Erasmus MC, Erasmus Medical Center
Classification: Likely benign for Xeroderma pigmentosum, group G. Last evaluated: 2017-06-28. Review status: criteria provided, single submitter. Criteria: ACGS Guidelines, 2013. Collection method: clinical testing. Allele origin: germline. Affected: yes. Study: VKGL Data-share Consensus.

Breakthrough Genomics
Classification: Likely benign. Review status: criteria provided, single submitter. Criteria: ACMG Guidelines, 2015. Collection method: not provided. Allele origin: germline. Inheritance: Autosomal recessive inheritance. Affected: yes.

PreventionGenetics, part of Exact Sciences
Classification: Likely benign. Review status: criteria provided, single submitter. Criteria: ACMG Guidelines, 2015. Collection method: clinical testing. Allele origin: germline.

Genome Diagnostics Laboratory, Amsterdam University Medical Center
Classification: Likely benign for Xeroderma pigmentosum, group G. Last evaluated: 2016-10-21. Review status: no assertion criteria provided. Criteria: ACGS Guidelines, 2013. Collection method: clinical testing. Allele origin: germline. Affected: yes. Study: VKGL Data-share Consensus. Not counted in ClinVar's aggregate classification.